The following is an entry in ClinVar:

NM_014989.7(RIMS1):c.958G>A (p.Glu320Lys)

Gene: RIMS1 (regulating synaptic membrane exocytosis 1; plus strand). Cytogenetic location: 6q13.
Variant type: single nucleotide variant.
Coding change: c.958G>A on transcript NM_014989.7 (MANE Select); coding-DNA position 958, G replaced by A.
Protein change: p.Glu320Lys; replaces glutamic acid 320 with lysine.
Molecular consequence: missense variant.
Genome position (GRCh38, 1-based): chr6:72,182,429, G>A. VCF-style: chr6-72182429-G-A. GRCh37 (hg19) VCF-style: chr6-72892132-G-A.
Other names: short protein forms E320K.
Identifiers: ClinVar variation 3680982 (VCV003680982.2).

ClinVar aggregate classification (germline): Uncertain significance (1 of 4 stars; one submission).

gnomAD v4.1: 1 of 1,613,936 alleles (0.000062%); highest among the groups gnomAD compares: Admixed American, 0.0017%; no homozygotes.

Submission:

Labcorp Genetics (formerly Invitae), Labcorp
Classification: Uncertain significance. Last evaluated: 2024-05-15. Review status: criteria provided, single submitter. Criteria: Invitae Variant Classification Sherloc (09022015). Collection method: clinical testing. Allele origin: germline.
Comment: This sequence change replaces glutamic acid, which is acidic and polar, with lysine, which is basic and polar, at codon 320 of the RIMS1 protein (p.Glu320Lys). This variant is present in population databases (rs745612902, gnomAD 0.003%). This variant has not been reported in the literature in individuals affected with RIMS1-related conditions. An algorithm developed to predict the effect of missense changes on protein structure and function (PolyPhen-2) suggests that this variant is likely to be tolerated. In summary, the available evidence is currently insufficient to determine the role of this variant in disease. Therefore, it has been classified as a Variant of Uncertain Significance.